The following is an entry in ClinVar:

NM_021930.6(RINT1):c.554C>T (p.Pro185Leu)

Gene: RINT1 (RAD50 interactor 1; plus strand). Cytogenetic location: 7q22.3.
Variant type: single nucleotide variant.
Coding change: c.554C>T on transcript NM_021930.6 (MANE Select); coding-DNA position 554, C replaced by T.
Protein change: p.Pro185Leu; replaces proline 185 with leucine.
Molecular consequence: missense variant. On other transcripts: 5 prime UTR variant (2), non-coding transcript variant (1), intron variant (1).
Genome position (GRCh38, 1-based): chr7:105,546,948, C>T. VCF-style: chr7-105546948-C-T. GRCh37 (hg19) VCF-style: chr7-105187395-C-T.
Other names: c.320C>T, p.Pro107Leu (NM_001346599.2); c.-466C>T (NM_001346600.2); c.-369C>T (NM_001346601.2); c.-27-3107C>T (NM_001346603.2); short protein forms P107L, P185L.
Identifiers: ClinVar variation 847240 (VCV000847240.12), dbSNP rs774983645, ClinGen allele CA4426467.

ClinVar aggregate classification (germline): Uncertain significance. Review status: criteria provided, multiple submitters, no conflicts (2 of 4 stars). 2 submissions from 2 submitters: Uncertain significance (2). Last evaluated 2025-11-23.

Allele frequency attached by ClinVar (database versions not stated): gnomAD 0.00001; gnomAD exomes 0.00001 and 0.00002; TOPMed 0.00001; ExAC 0.00002.
gnomAD v4.1: 14 of 1,612,196 alleles (0.00087%); highest among the groups gnomAD compares: East Asian, 0.0022%; no homozygotes.

Submissions (2):

Labcorp Genetics (formerly Invitae), Labcorp
Classification: Uncertain significance. Last evaluated: 2025-11-23. Review status: criteria provided, single submitter. Criteria: Invitae Variant Classification Sherloc (09022015). Collection method: clinical testing. Allele origin: germline.
Comment: This sequence change replaces proline, which is neutral and non-polar, with leucine, which is neutral and non-polar, at codon 185 of the RINT1 protein (p.Pro185Leu). This variant is present in population databases (rs774983645, gnomAD 0.003%). This variant has not been reported in the literature in individuals affected with RINT1-related conditions. ClinVar contains an entry for this variant (Variation ID: 847240). An algorithm developed to predict the effect of missense changes on protein structure and function (PolyPhen-2) suggests that this variant is likely to be tolerated. In summary, the available evidence is currently insufficient to determine the role of this variant in disease. Therefore, it has been classified as a Variant of Uncertain Significance.

Ambry Genetics
Classification: Uncertain significance. Last evaluated: 2024-01-20. Review status: criteria provided, single submitter. Criteria: Ambry Variant Classification Scheme 2023. Collection method: clinical testing. Allele origin: germline.
Comment: The p.P185L variant (also known as c.554C>T), located in coding exon 5 of the RINT1 gene, results from a C to T substitution at nucleotide position 554. The proline at codon 185 is replaced by leucine, an amino acid with similar properties. In one study, this alteration was observed in 0/2024 breast and/or ovarian cancer cases and 1/1886 controls (Li N et al. Breast Cancer Res Treat, 2016 09;159:385-92). This amino acid position is not well conserved in available vertebrate species. In addition, this alteration is predicted to be tolerated by in silico analysis. The evidence for this gene-disease relationship is limited; therefore, the clinical significance of this alteration is unclear.

Literature cited by the submitters: PubMed 27544226 (cited by Ambry Genetics).